The following is an entry in ClinVar:

NC_000011.9:g.(?_46746328)_(46748347_?)del

Gene: F2 (coagulation factor II, thrombin; plus strand). Cytogenetic location: 11p11.2.
Variant type: Deletion.
Identifiers: ClinVar variation 3244539 (VCV003244539.1).

ClinVar aggregate classification (germline): Likely pathogenic (1 of 4 stars; one submission).

Conditions:
Congenital prothrombin deficiency. Also called: Hereditary factor II deficiency disease; Inherited hypoprothrombinemia; Congenital factor II deficiency; Inherited prothrombin deficiency; Factor II deficiency; HYPOPROTHROMBINEMIA. Identifiers: Orphanet 325, MedGen C0272317, MONDO:0013361, OMIM 613679.

Submission:

Labcorp Genetics (formerly Invitae), Labcorp
Classification: Likely pathogenic for Congenital prothrombin deficiency. Last evaluated: 2023-10-18. Review status: criteria provided, single submitter. Criteria: Invitae Variant Classification Sherloc (09022015). Collection method: clinical testing. Allele origin: unknown.
Comment: This variant results in the deletion of exons 7-8 and part of exon 9 (c.560-1081_1090del) of the F2 gene. It is expected to disrupt RNA splicing. Variants that disrupt the donor or acceptor splice site typically lead to a loss of protein function (PMID: 16199547), and loss-of-function variants in F2 are known to be pathogenic (PMID: 23852823). This variant has not been reported in the literature in individuals affected with F2-related conditions. This variant disrupts a region of the F2 protein in which other variant(s) (p.Glu352Lys) have been observed in individuals with F2-related conditions (PMID: 10651742). This suggests that this is a clinically significant region of the protein, and that variants that disrupt it are likely to be disease-causing. In summary, the currently available evidence indicates that the variant is pathogenic, but additional data are needed to prove that conclusively. Therefore, this variant has been classified as Likely Pathogenic.

Literature cited by the submitters: PubMed 16199547; PubMed 23852823; PubMed 10651742.